The following is an entry in ClinVar:

NM_000540.3(RYR1):c.6499A>G (p.Ile2167Val)

Gene: RYR1 (ryanodine receptor 1; plus strand). Cytogenetic location: 19q13.2.
Variant type: single nucleotide variant.
Coding change: c.6499A>G on transcript NM_000540.3 (MANE Select); coding-DNA position 6499, A replaced by G.
Protein change: p.Ile2167Val; replaces isoleucine 2167 with valine.
Molecular consequence: missense variant.
Genome position (GRCh38, 1-based): chr19:38,494,576, A>G. VCF-style: chr19-38494576-A-G. GRCh37 (hg19) VCF-style: chr19-38985216-A-G.
Other names: c.6499A>G, p.Ile2167Val (NM_001042723.2); short protein forms I2167V.
Identifiers: ClinVar variation 3073093 (VCV003073093.1), dbSNP rs1003382957, ClinGen allele CA308102427.

ClinVar aggregate classification (germline): Uncertain significance (1 of 4 stars; one submission).

Conditions:
Malignant hyperthermia, susceptibility to, 1 (MHS1). Also called: Anesthesia related hyperthermia; Malignant hyperpyrexia; Fulminating hyperpyrexia; Pharmacogenic myopathy; RYR1-Related Malignant Hyperthermia Susceptibility; Malignant hyperthermia suceptibility 1. Identifiers: Orphanet 423, MedGen C2930980, MONDO:0007783, OMIM 145600.

Allele frequency attached by ClinVar (database versions not stated): gnomAD exomes below 0.00001.
gnomAD v4.1: 1 of 1,614,126 alleles (0.000062%); highest among the groups gnomAD compares: Non-Finnish European, 0.000085%; no homozygotes.

Submission:

All of Us Research Program, National Institutes of Health
Classification: Uncertain significance for Malignant hyperthermia, susceptibility to, 1. Last evaluated: 2023-11-30. Review status: criteria provided, single submitter. Criteria: ACMG Guidelines, 2015. Collection method: clinical testing. Allele origin: germline. Inheritance: Autosomal dominant inheritance. Observed: 1 variant allele, 1 heterozygote.
Comment: This study involves interpretation of variants in research participants for the purpose of population health screening. Participant phenotype was not available at the time of variant classification. Additional details can be found in publication PMID: 35346344, PMCID: PMC8962531